The following is an entry in ClinVar:

ClinVar aggregate classification (germline): Uncertain significance (1 of 4 stars; one submission).

Submission:

Labcorp Genetics (formerly Invitae), Labcorp
Classification: Uncertain significance. Last evaluated: 2024-03-05. Review status: criteria provided, single submitter. Criteria: Invitae Variant Classification Sherloc (09022015). Collection method: clinical testing. Allele origin: germline.
Comment: This sequence change replaces alanine, which is neutral and non-polar, with valine, which is neutral and non-polar, at codon 541 of the MMP14 protein (p.Ala541Val). The frequency data for this variant in the population databases is considered unreliable, as metrics indicate poor data quality at this position in the gnomAD database. This variant has not been reported in the literature in individuals affected with MMP14-related conditions. An algorithm developed to predict the effect of missense changes on protein structure and function (PolyPhen-2) suggests that this variant is likely to be tolerated. In summary, the available evidence is currently insufficient to determine the role of this variant in disease. Therefore, it has been classified as a Variant of Uncertain Significance.

NM_004995.4(MMP14):c.1622C>T (p.Ala541Val)

Gene: MMP14 (matrix metallopeptidase 14; plus strand). Cytogenetic location: 14q11.2.
Variant type: single nucleotide variant.
Coding change: c.1622C>T on transcript NM_004995.4 (MANE Select); coding-DNA position 1622, C replaced by T.
Protein change: p.Ala541Val; replaces alanine 541 with valine.
Molecular consequence: missense variant.
Genome position (GRCh38, 1-based): chr14:22,845,912, C>T. VCF-style: chr14-22845912-C-T. GRCh37 (hg19) VCF-style: chr14-23315121-C-T.
Other names: short protein forms A541V.
Identifiers: ClinVar variation 3694949 (VCV003694949.2).
Genomic context (GRCh38, chr14:22,845,912, plus strand): 5'-AGACGGAGGTGATCATCATTGAGGTGGACGAGGAGGGCGGCGGGGCGGTGAGCGCGGCTG[C>T]CGTGGTGCTGCCCGTGCTGCTGCTGCTCCTGGTGCTGGCGGTGGGCCTTGCAGTCTTCTT-3'
Protein context (NP_004986.1, residues 531-551): EEGGGAVSAA[Ala541Val]VVLPVLLLLL